The following is an entry in ClinVar:

ClinVar aggregate classification (germline): Uncertain significance. Review status: criteria provided, multiple submitters, no conflicts (2 of 4 stars). 4 submissions from 4 submitters: Uncertain significance (3). 1 of the submissions does not count toward it. Last evaluated 2025-12-16.

Conditions:
BBS2-related disorder. Also called: BBS2-related disorders; BBS2-related condition. Identifiers: MedGen CN239228.
Bardet-Biedl syndrome 2 (BBS2). Identifiers: Orphanet 110, MedGen C2936863, MONDO:0014432, OMIM 615981.
Retinal dystrophy. Also called: Inherited retinal dystrophy. Identifiers: HP:0000556, Orphanet 71862, MedGen C0854723, MeSH D058499, MONDO:0019118.

Allele frequency attached by ClinVar (database versions not stated): gnomAD 0.00001; gnomAD exomes 0.00002; ExAC 0.00003.
gnomAD v4.1: 27 of 1,613,484 alleles (0.0017%); highest among the groups gnomAD compares: East Asian, 0.053%; 2 homozygotes.

Submissions (4):

PreventionGenetics, part of Exact Sciences
Classification: Uncertain significance for BBS2-related condition. Last evaluated: 2025-12-16. Review status: criteria provided, single submitter. Criteria: ACMG Guidelines, 2015. Collection method: clinical testing. Allele origin: germline.
Comment: The BBS2 c.86C>T variant is predicted to result in the amino acid substitution p.Pro29Leu. To our knowledge, this variant has not been reported in the literature. This variant is reported in 0.027% of alleles in individuals of East Asian descent in gnomAD. Although we suspect that this variant may be benign, at this time, the clinical significance of this variant is uncertain due to the absence of conclusive functional and genetic evidence.

Dept Of Ophthalmology, Nagoya University
Classification: Uncertain significance for Retinal dystrophy. Last evaluated: 2023-10-01. Review status: criteria provided, single submitter. Criteria: Submitter's publication. Collection method: research. Allele origin: germline. Affected: yes.

Illumina Laboratory Services, Illumina
Classification: Uncertain significance for Bardet-Biedl syndrome 2. Last evaluated: 2018-01-12. Review status: criteria provided, single submitter. Criteria: ICSL Variant Classification Criteria 13 December 2019. Collection method: clinical testing. Allele origin: germline.

Counsyl
Classification: Uncertain significance for Bardet-Biedl syndrome 2. Last evaluated: 2017-04-24. Review status: no assertion criteria provided. Collection method: clinical testing. Allele origin: unknown. Not counted in ClinVar's aggregate classification.

NM_031885.5(BBS2):c.86C>T (p.Pro29Leu)

Gene: BBS2 (Bardet-Biedl syndrome 2; minus strand). Cytogenetic location: 16q13.
Variant type: single nucleotide variant.
Coding change: c.86C>T on transcript NM_031885.5 (MANE Select); coding-DNA position 86, C replaced by T.
Protein change: p.Pro29Leu; replaces proline 29 with leucine.
Molecular consequence: missense variant. On other transcripts: non-coding transcript variant (5).
Genome position (GRCh38, 1-based): chr16:56,519,777, G>A on the plus strand (C>T on the coding strand, the complement: BBS2 is on the minus strand). VCF-style: chr16-56519777-G-A. GRCh37 (hg19) VCF-style: chr16-56553689-G-A.
Other names: c.86C>T, p.Pro29Leu (NM_001377456.1); short protein forms P29L.
Identifiers: ClinVar variation 319870 (VCV000319870.9), dbSNP rs771211831, ClinGen allele CA8066146.